The following is an entry in ClinVar:

NM_025114.4(CEP290):c.7126C>T (p.Pro2376Ser)

Gene: CEP290 (centrosomal protein 290; minus strand). Cytogenetic location: 12q21.32.
Variant type: single nucleotide variant.
Coding change: c.7126C>T on transcript NM_025114.4 (MANE Select); coding-DNA position 7126, C replaced by T.
Protein change: p.Pro2376Ser; replaces proline 2376 with serine.
Molecular consequence: missense variant.
Genome position (GRCh38, 1-based): chr12:88,053,655, G>A on the plus strand (C>T on the coding strand, the complement: CEP290 is on the minus strand). VCF-style: chr12-88053655-G-A. GRCh37 (hg19) VCF-style: chr12-88447432-G-A.
Other names: short protein forms P2376S.
Identifiers: ClinVar variation 881141 (VCV000881141.10), dbSNP rs754462052, ClinGen allele CA6711352.

ClinVar aggregate classification (germline): Conflicting classifications of pathogenicity. Review status: criteria provided, conflicting classifications (1 of 4 stars). 8 submissions from 4 submitters: Uncertain significance (6); Likely benign (1). 1 of the submissions does not count toward it. Last evaluated 2024-10-24.

Conditions:
Meckel syndrome, type 4 (MKS4). Also called: MECKEL-GRUBER SYNDROME, TYPE 4. Identifiers: Orphanet 564, MedGen C1970161, MONDO:0012626, OMIM 611134.
CEP290-related disorder. Also called: CEP290-related condition; CEP290-related disorders. Identifiers: MedGen CN239314.
Nephronophthisis. Also called: Juvenile Nephronophthisis. Identifiers: Orphanet 655, MedGen C0687120, MONDO:0019005, HP:0000090.
Joubert syndrome. Also called: JOUBERT-BOLTSHAUSER SYNDROME; Familial aplasia of the vermis. Identifiers: Orphanet 475, MedGen C5979921, MONDO:0018772.
Meckel-Gruber syndrome. Also called: GRUBER SYNDROME; Dysencephalia splachnocystica; DYSENCEPHALIA SPLANCHNOCYSTICA. Identifiers: Orphanet 564, MedGen C0265215, MONDO:0018921.
Bardet-Biedl syndrome 14 (BBS14). Identifiers: Orphanet 110, MedGen C2673874, MONDO:0014442, OMIM 615991.
Leber congenital amaurosis 10 (LCA10). Identifiers: Orphanet 65, MedGen C1857821, MONDO:0012723, OMIM 611755.
Senior-Loken syndrome 6 (SLSN6). Identifiers: Orphanet 3156, MedGen C1857779, MONDO:0012433, OMIM 610189.
Joubert syndrome 5 (JBTS5). Identifiers: Orphanet 2318, MedGen C1857780, MONDO:0012432, OMIM 610188.

Allele frequency attached by ClinVar (database versions not stated): TOPMed 0.00002; gnomAD 0.00003; ExAC 0.00004; gnomAD exomes 0.00005.
gnomAD v4.1: 51 of 1,476,064 alleles (0.0035%); highest among the groups gnomAD compares: South Asian, 0.014%; no homozygotes.

Submissions (8):

Blueprint Genetics
Classification: Likely benign. Last evaluated: 2024-10-24. Review status: criteria provided, single submitter. Criteria: ACMG Guidelines, 2015. Collection method: clinical testing. Allele origin: germline.

Labcorp Genetics (formerly Invitae), Labcorp
Classification: Uncertain significance for Joubert syndrome; Meckel-Gruber syndrome; Nephronophthisis. Last evaluated: 2021-09-24. Review status: criteria provided, single submitter. Criteria: Invitae Variant Classification Sherloc (09022015). Collection method: clinical testing. Allele origin: germline.
Comment: This sequence change replaces proline with serine at codon 2376 of the CEP290 protein (p.Pro2376Ser). The proline residue is weakly conserved and there is a moderate physicochemical difference between proline and serine. This variant is present in population databases (rs754462052, ExAC 0.01%). This variant has not been reported in the literature in individuals affected with CEP290-related conditions. Algorithms developed to predict the effect of missense changes on protein structure and function output the following: SIFT: "Tolerated"; PolyPhen-2: "Benign"; Align-GVGD: "Class C0". The serine amino acid residue is found in multiple mammalian species, which suggests that this missense change does not adversely affect protein function. In summary, the available evidence is currently insufficient to determine the role of this variant in disease. Therefore, it has been classified as a Variant of Uncertain Significance.

Illumina Laboratory Services, Illumina
Classification: Uncertain significance for Senior-Loken syndrome 6. Last evaluated: 2018-01-13. Review status: criteria provided, single submitter. Criteria: ICSL Variant Classification Criteria 13 December 2019. Collection method: clinical testing. Allele origin: germline.

Illumina Laboratory Services, Illumina
Classification: Uncertain significance for Leber congenital amaurosis 10. Last evaluated: 2018-01-13. Review status: criteria provided, single submitter. Criteria: ICSL Variant Classification Criteria 13 December 2019. Collection method: clinical testing. Allele origin: germline.

Illumina Laboratory Services, Illumina
Classification: Uncertain significance for Joubert syndrome 5. Last evaluated: 2018-01-13. Review status: criteria provided, single submitter. Criteria: ICSL Variant Classification Criteria 13 December 2019. Collection method: clinical testing. Allele origin: germline.

Illumina Laboratory Services, Illumina
Classification: Uncertain significance for Bardet-Biedl syndrome 14. Last evaluated: 2018-01-13. Review status: criteria provided, single submitter. Criteria: ICSL Variant Classification Criteria 13 December 2019. Collection method: clinical testing. Allele origin: germline.

Illumina Laboratory Services, Illumina
Classification: Uncertain significance for Meckel syndrome, type 4. Last evaluated: 2018-01-13. Review status: criteria provided, single submitter. Criteria: ICSL Variant Classification Criteria 13 December 2019. Collection method: clinical testing. Allele origin: germline.

PreventionGenetics, part of Exact Sciences
Classification: Uncertain significance for CEP290-related condition. Last evaluated: 2024-01-08. Review status: no assertion criteria provided. Collection method: clinical testing. Allele origin: germline. Not counted in ClinVar's aggregate classification.
Comment: The CEP290 c.7126C>T variant is predicted to result in the amino acid substitution p.Pro2376Ser. To our knowledge, this variant has not been reported in the literature. This variant is reported in 0.013% of alleles in individuals of South Asian descent in gnomAD. At this time, the clinical significance of this variant is uncertain due to the absence of conclusive functional and genetic evidence.